The following is an entry in ClinVar:

ClinVar aggregate classification (germline): Pathogenic (1 of 4 stars; one submission).

Conditions:
3-methylcrotonyl-CoA carboxylase 1 deficiency (MCC1D). Also called: MCC 1 deficiency; 3 Alpha methylcrotonylglycinuria 1; MCCD TYPE 1; METHYLCROTONYLGLYCINURIA TYPE I. Identifiers: Orphanet 6, MedGen CN028786, MONDO:0008861, OMIM 210200.

Submission:

Labcorp Genetics (formerly Invitae), Labcorp
Classification: Pathogenic for 3-methylcrotonyl-CoA carboxylase 1 deficiency. Last evaluated: 2023-04-24. Review status: criteria provided, single submitter. Criteria: Invitae Variant Classification Sherloc (09022015). Collection method: clinical testing. Allele origin: unknown.
Comment: For these reasons, this variant has been classified as Pathogenic. This variant disrupts a region of the MCCC1 protein in which other variant(s) (p.Gly209Val) have been determined to be pathogenic (PMID: 25382614; Invitae). This suggests that this is a clinically significant region of the protein, and that variants that disrupt it are likely to be disease-causing. This variant has not been reported in the literature in individuals affected with MCCC1-related conditions. This variant results in the deletion of exons 5-6 and part of exon 7 (c.370-2603_712del) of the MCCC1 gene. It is expected to disrupt RNA splicing. Variants that disrupt the donor or acceptor splice site typically lead to a loss of protein function (PMID: 16199547), and loss-of-function variants in MCCC1 are known to be pathogenic (PMID: 11181649, 15359379, 22642865).

Literature cited by the submitters: PubMed 25382614; PubMed 16199547; PubMed 11181649; PubMed 15359379; PubMed 22642865.

NC_000003.11:g.(?_182788836)_(182792878_?)del

Gene: MCCC1 (methylcrotonyl-CoA carboxylase subunit 1; minus strand). Cytogenetic location: 3q27.1.
Variant type: Deletion.
Identifiers: ClinVar variation 3246945 (VCV003246945.1).